The following is an entry in ClinVar:

ClinVar aggregate classification (germline): Likely benign. Review status: criteria provided, multiple submitters, no conflicts (2 of 4 stars). 5 submissions from 5 submitters: Likely benign (5). Last evaluated 2025-12-31.

Conditions:
OTOG-related disorder. Also called: OTOG-related condition.

Allele frequency attached by ClinVar (database versions not stated): 1000 Genomes Project 30x 0.00078; 1000 Genomes Project 0.00080; gnomAD 0.00092 and 0.00100; TOPMed 0.00094.
gnomAD v4.1: 1,147 of 1,550,822 alleles (0.074%); highest among the groups gnomAD compares: African/African-American, 0.12%; no homozygotes.

Submissions (5):

Labcorp Genetics (formerly Invitae), Labcorp
Classification: Likely benign. Last evaluated: 2025-12-31. Review status: criteria provided, single submitter. Criteria: Invitae Variant Classification Sherloc (09022015). Collection method: clinical testing. Allele origin: germline.

PreventionGenetics, part of Exact Sciences
Classification: Likely benign for OTOG-related condition. Last evaluated: 2024-12-17. Review status: criteria provided, single submitter. Criteria: ACMG Guidelines, 2015. Collection method: clinical testing. Allele origin: germline.
Comment: This variant is classified as likely benign based on ACMG/AMP sequence variant interpretation guidelines (Richards et al. 2015 PMID: 25741868, with internal and published modifications).

Blueprint Genetics
Classification: Likely benign. Last evaluated: 2024-10-03. Review status: criteria provided, single submitter. Criteria: ACMG Guidelines, 2015. Collection method: clinical testing. Allele origin: germline.

GeneDx
Classification: Likely benign. Last evaluated: 2022-04-12. Review status: criteria provided, single submitter. Criteria: GeneDx Variant Classification Process June 2021. Collection method: clinical testing. Allele origin: germline. Affected: yes.
Comment: See Variant Classification Assertion Criteria.

Laboratory for Molecular Medicine, Mass General Brigham Personalized Medicine
Classification: Likely benign. Last evaluated: 2015-10-23. Review status: criteria provided, single submitter. Criteria: LMM Criteria. Collection method: clinical testing. Allele origin: germline. Observed: 1 variant allele.
Comment: p.Arg441Gln in exon 11 of OTOG: This variant is not expected to have clinical si gnificance because the arginine (Arg) at position 441 is not conserved through s pecies, with five mammals (Egyptian jerboa, brush-tailed rat, cat, tenrec, platy pus) having a glutamine (Gln) at this position. This variant has been identified in 0.43% (7/1632) of Finnish chromosomes by the Exome Aggregation Consortium (E xAC; dbSNP rs528799547).

NM_001292063.2(OTOG):c.1286G>A (p.Arg429Gln)

Gene: OTOG (otogelin; plus strand). Cytogenetic location: 11p15.1.
Variant type: single nucleotide variant.
Coding change: c.1286G>A on transcript NM_001292063.2 (MANE Select); coding-DNA position 1286, G replaced by A.
Protein change: p.Arg429Gln; replaces arginine 429 with glutamine.
Molecular consequence: missense variant.
Genome position (GRCh38, 1-based): chr11:17,559,606, G>A. VCF-style: chr11-17559606-G-A. GRCh37 (hg19) VCF-style: chr11-17581153-G-A.
Other names: c.1322G>A, p.Arg441Gln (NM_001277269.2); short protein forms R441Q, R429Q.
Identifiers: ClinVar variation 227763 (VCV000227763.15), dbSNP rs528799547, ClinGen allele CA5905473.